The following is an entry in ClinVar:

ClinVar aggregate classification (germline): Likely benign. Review status: criteria provided, multiple submitters, no conflicts (2 of 4 stars). 2 submissions from 2 submitters: Likely benign (2). Last evaluated 2025-05-20.

Allele frequency attached by ClinVar (database versions not stated): gnomAD 0.00001; gnomAD exomes 0.00001; ExAC 0.00002; TOPMed 0.00002; ESP Exome Variant Server 0.00008.

Submissions (2):

Mayo Clinic Laboratories, Mayo Clinic
Classification: Likely benign. Last evaluated: 2025-05-20. Review status: criteria provided, single submitter. Criteria: ACMG Guidelines, 2015. Collection method: clinical testing. Allele origin: germline. Observed: 1 variant allele.
Comment: BP4, BP7

Labcorp Genetics (formerly Invitae), Labcorp
Classification: Likely benign. Last evaluated: 2024-01-19. Review status: criteria provided, single submitter. Criteria: Invitae Variant Classification Sherloc (09022015). Collection method: clinical testing. Allele origin: germline.

NM_001365088.1(SLC12A6):c.2499C>T (p.Ala833=)

Genes: SLC12A6 (solute carrier family 12 member 6; minus strand), LOC126862097 (P300/CBP strongly-dependent group 1 enhancer GRCh37_chr15:34531007-34532206; plus strand). Cytogenetic location: 15q14.
Variant type: single nucleotide variant.
Coding change: c.2499C>T on transcript NM_001365088.1 (MANE Select); coding-DNA position 2499, C replaced by T.
Protein change: p.Ala833=; no amino-acid change (alanine 833 retained).
Molecular consequence: synonymous variant.
Genome position (GRCh38, 1-based): chr15:34,239,098, G>A on the plus strand (C>T on the coding strand, the complement: SLC12A6 is on the minus strand). VCF-style: chr15-34239098-G-A. GRCh37 (hg19) VCF-style: chr15-34531299-G-A.
Other names: p.Ala833=; c.2499C>T (NM_133647.1); c.2322C>T, p.Ala774= (NM_001042494.2, NM_001042495.2); c.2472C>T, p.Ala824= (NM_001042496.2); c.2454C>T, p.Ala818= (NM_001042497.2); c.2346C>T, p.Ala782= (NM_005135.2); c.2499C>T, p.Ala833= (NM_133647.2).
Identifiers: ClinVar variation 1102447 (VCV001102447.10), dbSNP rs149959909, ClinGen allele CA7464066.